The following is an entry in ClinVar:

NM_001283009.2(RTEL1):c.1952G>T (p.Arg651Leu)

Genes: RTEL1-TNFRSF6B (RTEL1-TNFRSF6B readthrough (NMD candidate); plus strand), RTEL1 (regulator of telomere elongation helicase 1; plus strand). Cytogenetic location: 20q13.33.
Variant type: single nucleotide variant.
Coding change: c.1952G>T on transcript NM_001283009.2 (MANE Select); coding-DNA position 1952, G replaced by T.
Protein change: p.Arg651Leu; replaces arginine 651 with leucine.
Molecular consequence: missense variant. On other transcripts: non-coding transcript variant (1).
Genome position (GRCh38, 1-based): chr20:63,689,575, G>T. VCF-style: chr20-63689575-G-T. GRCh37 (hg19) VCF-style: chr20-62320928-G-T.
Other names: c.1283G>T, p.Arg428Leu (NM_001283010.1); c.1952G>T, p.Arg651Leu (NM_016434.4); c.2024G>T, p.Arg675Leu (NM_032957.5); short protein forms R651L, R675L, R428L.
Identifiers: ClinVar variation 953594 (VCV000953594.7), dbSNP rs773159241, ClinGen allele CA9965088.

ClinVar aggregate classification (germline): Uncertain significance. Review status: criteria provided, single submitter (1 of 4 stars). 2 submissions from 2 submitters: Uncertain significance (1). 1 of the submissions does not count toward it. Last evaluated 2021-08-28.

Conditions:
Dyskeratosis congenita. Identifiers: Orphanet 1775, MedGen C0265965, MONDO:0015780.
Dyskeratosis congenita, autosomal recessive 5 (DKCB5). Identifiers: MedGen C3554656, MONDO:0014076, OMIM 615190.
Pulmonary fibrosis and/or bone marrow failure, Telomere-related, 3. Also called: PULMONARY FIBROSIS AND/OR BONE MARROW FAILURE SYNDROME, TELOMERE-RELATED, 3. Identifiers: Orphanet 2032, MedGen C4225346, MONDO:0014613, OMIM 616373.

Allele frequency attached by ClinVar (database versions not stated): ExAC 0.00001; gnomAD exomes 0.00001.

Submissions (2):

Labcorp Genetics (formerly Invitae), Labcorp
Classification: Uncertain significance for Dyskeratosis congenita, autosomal recessive 5; Pulmonary fibrosis and/or bone marrow failure, Telomere-related, 3. Last evaluated: 2021-08-28. Review status: criteria provided, single submitter. Criteria: Invitae Variant Classification Sherloc (09022015). Collection method: clinical testing. Allele origin: germline.
Comment: This sequence change replaces arginine with leucine at codon 651 of the RTEL1 protein (p.Arg651Leu). The arginine residue is moderately conserved and there is a moderate physicochemical difference between arginine and leucine. This variant is present in population databases (rs773159241, ExAC 0.007%). This variant has not been reported in the literature in individuals affected with RTEL1-related conditions. Algorithms developed to predict the effect of missense changes on protein structure and function are either unavailable or do not agree on the potential impact of this missense change (SIFT: "Tolerated"; PolyPhen-2: "Possibly Damaging"; Align-GVGD: "Class C0"). In summary, the available evidence is currently insufficient to determine the role of this variant in disease. Therefore, it has been classified as a Variant of Uncertain Significance.

Natera, Inc.
Classification: Uncertain significance for Dyskeratosis congenita. Last evaluated: 2020-09-17. Review status: no assertion criteria provided. Collection method: clinical testing. Allele origin: germline. Not counted in ClinVar's aggregate classification.